The following is an entry in ClinVar:

NM_001069.3(TUBB2A):c.178G>A (p.Val60Ile)

Gene: TUBB2A (tubulin beta 2A class IIa; minus strand). Cytogenetic location: 6p25.2.
Variant type: single nucleotide variant.
Coding change: c.178G>A on transcript NM_001069.3 (MANE Select); coding-DNA position 178, G replaced by A.
Protein change: p.Val60Ile; replaces valine 60 with isoleucine.
Molecular consequence: missense variant. On other transcripts: 5 prime UTR variant (1).
Genome position (GRCh38, 1-based): chr6:3,155,724, C>T on the plus strand (G>A on the coding strand, the complement: TUBB2A is on the minus strand). VCF-style: chr6-3155724-C-T. GRCh37 (hg19) VCF-style: chr6-3155958-C-T.
Other names: c.-210G>A (NM_001310315.2); short protein forms V60I.
Identifiers: ClinVar variation 2764517 (VCV002764517.3), dbSNP rs2533527219, ClinGen allele CA362593339.
Genomic context (GRCh38, chr6:3,155,724, plus strand): 5'-GTCCAGACCTGACAGAGTCCATGGTGCCAGGCTCCAGATCCACCAGGATGGCCCGAGGTA[C>T]ATATTTGTTACCTGCAGGAAATAAGAACTGACTCAGGCCTGTGCTTGGGGAGGGACTCAC-3'
Protein context (NP_001060.1, residues 50-70): YYNEAAGNKY[Val60Ile]PRAILVDLEP

ClinVar aggregate classification (germline): Uncertain significance (1 of 4 stars; one submission).

Submission:

Labcorp Genetics (formerly Invitae), Labcorp
Classification: Uncertain significance. Last evaluated: 2023-09-30. Review status: criteria provided, single submitter. Criteria: Invitae Variant Classification Sherloc (09022015). Collection method: clinical testing. Allele origin: germline.
Comment: This sequence change replaces valine, which is neutral and non-polar, with isoleucine, which is neutral and non-polar, at codon 60 of the TUBB2A protein (p.Val60Ile). This variant has not been reported in the literature in individuals affected with TUBB2A-related conditions. This variant is not present in population databases (gnomAD no frequency). In summary, the available evidence is currently insufficient to determine the role of this variant in disease. Therefore, it has been classified as a Variant of Uncertain Significance. Advanced modeling of protein sequence and biophysical properties (such as structural, functional, and spatial information, amino acid conservation, physicochemical variation, residue mobility, and thermodynamic stability) performed at Invitae indicates that this missense variant is not expected to disrupt TUBB2A protein function.